The following is an entry in ClinVar:

ClinVar aggregate classification (germline): Conflicting classifications of pathogenicity. Review status: criteria provided, conflicting classifications (1 of 4 stars). 7 submissions from 7 submitters: Uncertain significance (3); Likely benign (3). 1 of the submissions does not count toward it. Last evaluated 2025-12-21.

Conditions:
KIDINS220-related disorder. Also called: KIDINS220-related condition.
Spastic paraplegia, intellectual disability, nystagmus, and obesity. Also called: Spastic paraplegia, intellectual disability, nystagmus, and obesity;. Identifiers: Orphanet 521390, MedGen C4284592, MONDO:0015007, OMIM 617296.
Ventriculomegaly and arthrogryposis. Identifiers: MedGen C5561973, MONDO:0859184, OMIM 619501.
Inborn genetic diseases. Identifiers: MedGen C0950123, MeSH D030342.

Allele frequency attached by ClinVar (database versions not stated): ESP Exome Variant Server 0.00066; TOPMed 0.00077; gnomAD 0.00091 and 0.00093; gnomAD exomes 0.00099; ExAC 0.00109.
gnomAD v4.1: 1,431 of 1,614,132 alleles (0.089%); highest among the groups gnomAD compares: Middle Eastern, 0.26%; 3 homozygotes.

Submissions (7):

Labcorp Genetics (formerly Invitae), Labcorp
Classification: Uncertain significance. Last evaluated: 2025-12-21. Review status: criteria provided, single submitter. Criteria: Invitae Variant Classification Sherloc (09022015). Collection method: clinical testing. Allele origin: germline.
Comment: This sequence change replaces valine, which is neutral and non-polar, with isoleucine, which is neutral and non-polar, at codon 857 of the KIDINS220 protein (p.Val857Ile). This variant is present in population databases (rs200104720, gnomAD 0.2%), and has an allele count higher than expected for a pathogenic variant. This variant has not been reported in the literature in individuals affected with KIDINS220-related conditions. ClinVar contains an entry for this variant (Variation ID: 1525138). An algorithm developed to predict the effect of missense changes on protein structure and function (PolyPhen-2) suggests that this variant is likely to be tolerated. In summary, the available evidence is currently insufficient to determine the role of this variant in disease. Therefore, it has been classified as a Variant of Uncertain Significance.

Women's Health and Genetics/Laboratory Corporation of America, LabCorp
Classification: Uncertain significance. Last evaluated: 2025-05-05. Review status: criteria provided, single submitter. Criteria: LabCorp Variant Classification Summary - May 2015. Collection method: clinical testing. Allele origin: germline.
Comment: Variant summary: KIDINS220 c.2569G>A (p.Val857Ile) results in a conservative amino acid change in the encoded protein sequence. Algorithms developed to predict the effect of missense changes on protein structure and function are either unavailable or do not agree on the potential impact of this missense change. The variant allele was found at a frequency of 0.00099 in 249438 control chromosomes. This frequency is not significantly higher than estimated for a pathogenic variant in KIDINS220 causing Spastic Paraplegia, Intellectual Disability, Nystagmus, And Obesity, allowing no conclusion about variant significance. To our knowledge, no occurrence of c.2569G>A in individuals affected with Spastic Paraplegia, Intellectual Disability, Nystagmus, And Obesity and no experimental evidence demonstrating its impact on protein function have been reported. ClinVar contains an entry for this variant (Variation ID: 1525138). Based on the evidence outlined above, the variant was classified as uncertain significance.

Mayo Clinic Laboratories, Mayo Clinic
Classification: Likely benign. Last evaluated: 2025-03-18. Review status: criteria provided, single submitter. Criteria: ACMG Guidelines, 2015. Collection method: clinical testing. Allele origin: germline. Observed: 2 variant alleles.
Comment: BS1, BP4_moderate

CeGaT Center for Human Genetics Tuebingen
Classification: Likely benign. Last evaluated: 2025-03-01. Review status: criteria provided, single submitter. Criteria: CeGaT Center For Human Genetics Tuebingen Variant Classification Criteria Version 2. Collection method: clinical testing. Allele origin: germline. Affected: yes. Observed: 2 variant alleles.
Comment: KIDINS220: BP4

Ambry Genetics
Classification: Likely benign for Inborn genetic diseases. Last evaluated: 2022-06-27. Review status: criteria provided, single submitter. Criteria: Ambry Variant Classification Scheme 2023. Collection method: clinical testing. Allele origin: germline.

Breakthrough Genomics
Classification: Uncertain significance. Review status: criteria provided, single submitter. Criteria: ACMG Guidelines, 2015. Collection method: not provided. Allele origin: germline. Inheritance: Autosomal recessive inheritance. Affected: yes.

PreventionGenetics, part of Exact Sciences
Classification: Likely benign for KIDINS220-related condition. Last evaluated: 2022-06-21. Review status: no assertion criteria provided. Collection method: clinical testing. Allele origin: germline. Not counted in ClinVar's aggregate classification.
Comment: This variant is classified as likely benign based on ACMG/AMP sequence variant interpretation guidelines (Richards et al. 2015 PMID: 25741868, with internal and published modifications).

Literature cited by the submitters: PubMed 39109120 (cited by Mayo Clinic Laboratories, Mayo Clinic).

NM_020738.4(KIDINS220):c.2569G>A (p.Val857Ile)

Gene: KIDINS220 (kinase D interacting substrate 220; minus strand). Cytogenetic location: 2p25.1.
Variant type: single nucleotide variant.
Coding change: c.2569G>A on transcript NM_020738.4 (MANE Select); coding-DNA position 2569, G replaced by A.
Protein change: p.Val857Ile; replaces valine 857 with isoleucine.
Molecular consequence: missense variant. On other transcripts: non-coding transcript variant (2).
Genome position (GRCh38, 1-based): chr2:8,778,941, C>T on the plus strand (G>A on the coding strand, the complement: KIDINS220 is on the minus strand). VCF-style: chr2-8778941-C-T. GRCh37 (hg19) VCF-style: chr2-8919071-C-T.
Other names: p.Val857Ile; c.2569G>A (NM_020738.2); c.2572G>A, p.Val858Ile (NM_001348729.2, NM_001348731.2, NM_001348734.2 and 3 more transcripts); c.2569G>A, p.Val857Ile (NM_001348732.2, NM_001348735.2, NM_001348738.2 and 3 more transcripts); c.2443G>A, p.Val815Ile (NM_001348736.2); short protein forms V815I, V858I, V857I.
Identifiers: ClinVar variation 1525138 (VCV001525138.35), dbSNP rs200104720, ClinGen allele CA1519947.